The following is an entry in ClinVar:

ClinVar aggregate classification (germline): Uncertain significance (1 of 4 stars; one submission).

Conditions:
Hereditary cancer-predisposing syndrome. Also called: Neoplastic Syndromes, Hereditary; Tumor predisposition; Hereditary Cancer Syndrome; Hereditary neoplastic syndrome. Identifiers: Orphanet 140162, MedGen C0027672, MeSH D009386, MONDO:0015356.

Allele frequency attached by ClinVar (database versions not stated): gnomAD exomes below 0.00001; gnomAD 0.00002; TOPMed 0.00003.
gnomAD v4.1: 9 of 1,613,828 alleles (0.00056%); highest among the groups gnomAD compares: African/African-American, 0.008%; no homozygotes.

Submission:

Ambry Genetics
Classification: Uncertain significance for Hereditary cancer-predisposing syndrome. Last evaluated: 2024-01-11. Review status: criteria provided, single submitter. Criteria: Ambry Variant Classification Scheme 2023. Collection method: clinical testing. Allele origin: germline.
Comment: The p.N42S variant (also known as c.125A>G), located in coding exon 1 of the GREM1 gene, results from an A to G substitution at nucleotide position 125. The asparagine at codon 42 is replaced by serine, an amino acid with highly similar properties. This amino acid position is conserved. In addition, this alteration is predicted to be tolerated by in silico analysis. Since supporting evidence is limited at this time, the clinical significance of this alteration remains unclear.

NM_013372.7(GREM1):c.125A>G (p.Asn42Ser)

Gene: GREM1 (gremlin 1, DAN family BMP antagonist; plus strand). Cytogenetic location: 15q13.3.
Variant type: single nucleotide variant.
Coding change: c.125A>G on transcript NM_013372.7 (MANE Select); coding-DNA position 125, A replaced by G.
Protein change: p.Asn42Ser; replaces asparagine 42 with serine.
Molecular consequence: missense variant. On other transcripts: intron variant (2).
Genome position (GRCh38, 1-based): chr15:32,730,815, A>G. VCF-style: chr15-32730815-A-G. GRCh37 (hg19) VCF-style: chr15-33023016-A-G.
Other names: c.125A>G, p.Asn42Ser (NM_001368719.1); c.114+11A>G (NM_001191323.2); c.27+98A>G (NM_001191322.2); short protein forms N42S.
Identifiers: ClinVar variation 1762680 (VCV001762680.2), dbSNP rs945879966, ClinGen allele CA268513199.